The following is an entry in ClinVar:

ClinVar aggregate classification (germline): Uncertain significance (1 of 4 stars; one submission).

gnomAD v4.1: 2 of 1,500,458 alleles (0.00013%); highest among the groups gnomAD compares: Non-Finnish European, 0.00018%; no homozygotes.

Submission:

Ambry Genetics
Classification: Uncertain significance. Last evaluated: 2025-01-08. Review status: criteria provided, single submitter. Criteria: Ambry Variant Classification Scheme 2023. Collection method: clinical testing. Allele origin: germline.
Comment: The p.A21T variant (also known as c.61G>A), located in coding exon 1 of the PALLD gene, results from a G to A substitution at nucleotide position 61. The alanine at codon 21 is replaced by threonine, an amino acid with similar properties. This amino acid position is conserved. In addition, this alteration is predicted to be tolerated by in silico analysis. Based on the available evidence, the clinical significance of this variant remains unclear.

NM_001166108.2(PALLD):c.1965-12970G>A

Gene: PALLD (palladin, cytoskeletal associated protein; plus strand). Cytogenetic location: 4q32.3.
Variant type: single nucleotide variant.
Coding change: c.1965-12970G>A on transcript NM_001166108.2 (MANE Select); 12970 bases into the intron before coding-DNA position 1965, G replaced by A.
Molecular consequence: intron variant. On other transcripts: missense variant (1).
Genome position (GRCh38, 1-based): chr4:168,877,952, G>A. VCF-style: chr4-168877952-G-A. GRCh37 (hg19) VCF-style: chr4-169799103-G-A.
Other names: c.61G>A, p.Ala21Thr (NM_001166110.2); c.1965-12970G>A (NM_016081.4); c.819-12970G>A (NM_001166109.2); c.-157-12970G>A (NM_001367570.1, NM_001367568.1, NM_001367567.1 and 1 more transcripts); short protein forms A21T.
Identifiers: ClinVar variation 3885259 (VCV003885259.1).